The following is an entry in ClinVar:

ClinVar aggregate classification (germline): Uncertain significance (1 of 4 stars; one submission).

Conditions:
Autosomal recessive distal spinal muscular atrophy 1. Also called: HMN VI; Spinal muscular atrophy with respiratory distress 1; NEURONOPATHY, DISTAL HEREDITARY MOTOR, HARDING TYPE VI; NEUROPATHY, DISTAL HEREDITARY MOTOR, AUTOSOMAL RECESSIVE 1; NEURONOPATHY, SEVERE INFANTILE AXONAL, WITH RESPIRATORY FAILURE; SEVERE INFANTILE AXONAL NEUROPATHY WITH RESPIRATORY FAILURE. Identifiers: Orphanet 98920, MedGen C1858517, MONDO:0011436, OMIM 604320.
Charcot-Marie-Tooth disease axonal type 2S. Also called: CHARCOT-MARIE-TOOTH NEUROPATHY, TYPE 2S; CHARCOT-MARIE-TOOTH DISEASE, AXONAL, AUTOSOMAL RECESSIVE, TYPE 2S. Identifiers: Orphanet 443073, MedGen C4015349, MONDO:0014511, OMIM 616155.

Allele frequency attached by ClinVar (database versions not stated): gnomAD exomes below 0.00001.
gnomAD v4.1: 1 of 1,613,702 alleles (0.000062%); highest among the groups gnomAD compares: South Asian, 0.0011%; no homozygotes.

Submission:

Labcorp Genetics (formerly Invitae), Labcorp
Classification: Uncertain significance for Autosomal recessive distal spinal muscular atrophy 1; Charcot-Marie-Tooth disease axonal type 2S. Last evaluated: 2022-08-17. Review status: criteria provided, single submitter. Criteria: Invitae Variant Classification Sherloc (09022015). Collection method: clinical testing. Allele origin: germline.
Comment: This sequence change affects codon 783 of the IGHMBP2 mRNA. It is a 'silent' change, meaning that it does not change the encoded amino acid sequence of the IGHMBP2 protein. This variant is not present in population databases (gnomAD no frequency). This variant has not been reported in the literature in individuals affected with IGHMBP2-related conditions. Algorithms developed to predict the effect of sequence changes on RNA splicing suggest that this variant may create or strengthen a splice site. In summary, the available evidence is currently insufficient to determine the role of this variant in disease. Therefore, it has been classified as a Variant of Uncertain Significance.

NM_002180.3(IGHMBP2):c.2349C>T (p.Ser783=)

Gene: IGHMBP2 (immunoglobulin mu DNA binding protein 2; plus strand). Cytogenetic location: 11q13.3.
Variant type: single nucleotide variant.
Coding change: c.2349C>T on transcript NM_002180.3 (MANE Select); coding-DNA position 2349, C replaced by T.
Protein change: p.Ser783=; no amino-acid change (serine 783 retained).
Molecular consequence: synonymous variant.
Genome position (GRCh38, 1-based): chr11:68,936,829, C>T. VCF-style: chr11-68936829-C-T. GRCh37 (hg19) VCF-style: chr11-68704297-C-T.
Identifiers: ClinVar variation 2123757 (VCV002123757.1), dbSNP rs2496075032, ClinGen allele CA475280796.
Genomic context (GRCh38, chr11:68,936,829, plus strand): 5'-GGAGCACGGGCTGAGGCACGACAGTTCCGGGGAAGGGAAGAGGAGGTTCATCACTGTGAG[C>T]AAGAGGGCCCCGCGACCCCGAGCAGCCCTGGGACCCCCAGCAGGGACCGGTGGCCCAGCC-3'
Protein context (NP_002171.2, residues 773-793): GEGKRRFITV[Ser783=]KRAPRPRAAL